The following is an entry in ClinVar:

ClinVar aggregate classification (germline): Likely benign (0 of 4 stars; one submission).

Conditions:
PRMT7-related disorder. Also called: PRMT7-related condition.

gnomAD v4.1: 1 of 1,614,144 alleles (0.000062%); highest among the groups gnomAD compares: African/African-American, 0.0013%; no homozygotes.

Submission:

PreventionGenetics, part of Exact Sciences
Classification: Likely benign for PRMT7-related condition. Last evaluated: 2019-09-19. Review status: no assertion criteria provided. Collection method: clinical testing. Allele origin: germline.
Comment: This variant is classified as likely benign based on ACMG/AMP sequence variant interpretation guidelines (Richards et al. 2015 PMID: 25741868, with internal and published modifications).

NM_019023.5(PRMT7):c.876C>A (p.Ile292=)

Gene: PRMT7 (protein arginine methyltransferase 7; plus strand). Cytogenetic location: 16q22.1.
Variant type: single nucleotide variant.
Coding change: c.876C>A on transcript NM_019023.5 (MANE Select); coding-DNA position 876, C replaced by A.
Protein change: p.Ile292=; no amino-acid change (isoleucine 292 retained).
Molecular consequence: synonymous variant. On other transcripts: non-coding transcript variant (12).
Genome position (GRCh38, 1-based): chr16:68,339,917, C>A. VCF-style: chr16-68339917-C-A. GRCh37 (hg19) VCF-style: chr16-68373820-C-A.
Other names: c.726C>A, p.Ile242= (NM_001184824.4); c.876C>A, p.Ile292= (NM_001290018.2, NM_001351143.3, NM_001351144.3 and 1 more transcripts); c.669C>A, p.Ile223= (NM_001378020.1); c.639C>A, p.Ile213= (NM_001378021.1, NM_001378022.1, NM_001378023.1).
Identifiers: ClinVar variation 3040374 (VCV003040374.2), dbSNP rs2544841251, ClinGen allele CA496390162.
Genomic context (GRCh38, chr16:68,339,917, plus strand): 5'-TGGCCGAGCTCAGGTGGTTCTCTCGTGGTGGGACATTGAAATGGACCCTGAGGGGAAGAT[C>A]AAGTGCACCATGGCCCCCTTCTGGGCACACTCAGACCCAGAGGAGATGCAGGTAAGAGGC-3'
Protein context (NP_061896.1, residues 282-302): WDIEMDPEGK[Ile292=]KCTMAPFWAH